The following is an entry in ClinVar:

NM_007294.4(BRCA1):c.2964A>G (p.Ser988=)

Gene: BRCA1 (BRCA1 DNA repair associated; minus strand). Cytogenetic location: 17q21.31.
Variant type: single nucleotide variant.
Coding change: c.2964A>G on transcript NM_007294.4 (MANE Select); coding-DNA position 2964, A replaced by G.
Protein change: p.Ser988=; no amino-acid change (serine 988 retained).
Molecular consequence: synonymous variant. On other transcripts: intron variant (137).
Genome position (GRCh38, 1-based): chr17:43,092,567, T>C on the plus strand (A>G on the coding strand, the complement: BRCA1 is on the minus strand). VCF-style: chr17-43092567-T-C. GRCh37 (hg19) VCF-style: chr17-41244584-T-C.
Other names: c.668-1535A>G (NM_001408421.1, NM_001408431.1, NM_001408424.1); c.785-1535A>G (NM_001407991.1, NM_001408407.1, NM_001408402.1 and 13 more transcripts); c.665-1535A>G (NM_001408427.1, NM_001408443.1, NM_001408439.1 and 12 more transcripts); c.524-1535A>G (NM_001408496.1, NM_001408499.1, NM_001408498.1 and 3 more transcripts); c.647-1535A>G (NM_001408460.1, NM_001408454.1, NM_001408456.1 and 11 more transcripts); c.707-1535A>G (NM_001408413.1, NM_001408416.1); c.587-1535A>G (NM_001408476.1, NM_001408474.1); c.710-1535A>G (NM_001408409.1, NM_001408414.1, NM_001408411.1 and 2 more transcripts); and 41 more.
Identifiers: ClinVar variation 422874 (VCV000422874.21), dbSNP rs1064796061, ClinGen allele CA16620432.

ClinVar aggregate classification (germline): Conflicting classifications of pathogenicity. Review status: criteria provided, conflicting classifications (1 of 4 stars). 7 submissions from 7 submitters: Uncertain significance (1); Likely benign (6). Last evaluated 2025-05-05.

Conditions:
Hereditary breast ovarian cancer syndrome. Also called: Hereditary breast and ovarian cancer syndrome (HBOC); BRCA1- and BRCA2-Associated Hereditary Breast and Ovarian Cancer; Hereditary breast and/or ovarian cancer syndrome; Hereditary breast and ovarian cancer syndrome; Hereditary breast and ovarian cancer; Breast and ovarian cancer. Identifiers: Orphanet 145, MedGen C0677776, MeSH D061325, MONDO:0003582. Disease mechanism: loss of function.
Familial cancer of breast. Also called: hereditary breast carcinoma; BREAST CANCER, FAMILIAL; Hereditary breast cancer. Identifiers: Orphanet 227535, MedGen C0346153, MONDO:0016419, OMIM 114480. Disease mechanism: loss of function.
Fanconi anemia, complementation group S (FANCS). Identifiers: MedGen C4554406, MONDO:0054748, OMIM 617883.
Breast-ovarian cancer, familial, susceptibility to, 1 (BROVCA1). Also called: BRCA1 Hereditary Breast and Ovarian Cancer; OVARIAN CANCER, SUSCEPTIBILITY TO. Identifiers: Orphanet 145, MedGen C2676676, MONDO:0011450, OMIM 604370. Disease mechanism: loss of function.
Hereditary cancer-predisposing syndrome. Also called: Neoplastic Syndromes, Hereditary; Hereditary neoplastic syndrome; Tumor predisposition; Hereditary Cancer Syndrome. Identifiers: Orphanet 140162, MedGen C0027672, MeSH D009386, MONDO:0015356.

Allele frequency attached by ClinVar (database versions not stated): gnomAD exomes 0.00001.
gnomAD v4.1: 15 of 1,614,086 alleles (0.00093%); highest among the groups gnomAD compares: East Asian, 0.022%; no homozygotes.

Submissions (7):

Labcorp Genetics (formerly Invitae), Labcorp
Classification: Likely benign for Hereditary breast ovarian cancer syndrome. Last evaluated: 2025-05-05. Review status: criteria provided, single submitter. Criteria: Invitae Variant Classification Sherloc (09022015). Collection method: clinical testing. Allele origin: germline.

Ambry Genetics
Classification: Likely benign for Hereditary cancer-predisposing syndrome. Last evaluated: 2024-11-08. Review status: criteria provided, single submitter. Criteria: Ambry Variant Classification Scheme 2023. Collection method: clinical testing. Allele origin: germline.

GeneDx
Classification: Uncertain significance. Last evaluated: 2023-05-07. Review status: criteria provided, single submitter. Criteria: GeneDx Variant Classification Process June 2021. Collection method: clinical testing. Allele origin: germline. Affected: yes.
Comment: Not observed in any cases, but was observed in unaffected controls from a breast cancer study (Momozawa et al., 2018); Not observed at significant frequency in large population cohorts (gnomAD); In silico analysis supports that this variant does not alter splicing; Also known as 3083A>G; This variant is associated with the following publications: (PMID: 30287823)

All of Us Research Program, National Institutes of Health
Classification: Likely benign for Breast-ovarian cancer, familial, susceptibility to, 1. Last evaluated: 2023-04-03. Review status: criteria provided, single submitter. Criteria: ACMG Guidelines, 2015. Collection method: clinical testing. Allele origin: germline. Inheritance: Autosomal dominant inheritance. Observed: 1 variant allele, 1 heterozygote.
Comment: This study involves interpretation of variants in research participants for the purpose of population health screening. Participant phenotype was not available at the time of variant classification. Additional details can be found in publication PMID: 35346344, PMCID: PMC8962531

Department of Pathology and Laboratory Medicine, Sinai Health System
Classification: Likely benign for Familial cancer of breast; Breast-ovarian cancer, familial, susceptibility to, 1; Fanconi anemia, complementation group S. Last evaluated: 2022-09-16. Review status: criteria provided, single submitter. Criteria: ACMG Guidelines, 2015. Collection method: clinical testing. Allele origin: germline. Affected: yes.

Women's Health and Genetics/Laboratory Corporation of America, LabCorp
Classification: Likely benign. Last evaluated: 2020-01-05. Review status: criteria provided, single submitter. Criteria: LabCorp Variant Classification Summary - May 2015. Collection method: clinical testing. Allele origin: germline.

Color Diagnostics, LLC DBA Color Health
Classification: Likely benign for Hereditary cancer-predisposing syndrome. Last evaluated: 2018-06-13. Review status: criteria provided, single submitter. Criteria: ACMG Guidelines, 2015. Collection method: clinical testing. Allele origin: germline.

Literature cited by the submitters: PubMed 30287823 (cited by Department of Pathology and Laboratory Medicine, Sinai Health System).